The following is an entry in ClinVar:

ClinVar aggregate classification (germline): Uncertain significance. Review status: criteria provided, multiple submitters, no conflicts (2 of 4 stars). 3 submissions from 3 submitters: Uncertain significance (3). Last evaluated 2024-10-22.

Conditions:
Inborn genetic diseases. Identifiers: MedGen C0950123, MeSH D030342.
Combined immunodeficiency due to ZAP70 deficiency (IMD48). Also called: Immunodeficiency 48; ZAP70 Deficiency. Identifiers: Orphanet 911, MedGen C2931299, MONDO:0010023, OMIM 269840.

Allele frequency attached by ClinVar (database versions not stated): TOPMed 0.00002; ESP Exome Variant Server 0.00008.
gnomAD v4.1: 18 of 1,613,866 alleles (0.0011%); highest among the groups gnomAD compares: Admixed American, 0.005%; no homozygotes.

Submissions (3):

Labcorp Genetics (formerly Invitae), Labcorp
Classification: Uncertain significance for Combined immunodeficiency due to ZAP70 deficiency. Last evaluated: 2024-10-22. Review status: criteria provided, single submitter. Criteria: Invitae Variant Classification Sherloc (09022015). Collection method: clinical testing. Allele origin: germline.
Comment: This sequence change replaces serine, which is neutral and polar, with arginine, which is basic and polar, at codon 599 of the ZAP70 protein (p.Ser599Arg). This variant is present in population databases (rs148332283, gnomAD 0.006%). This variant has not been reported in the literature in individuals affected with ZAP70-related conditions. ClinVar contains an entry for this variant (Variation ID: 935495). An algorithm developed to predict the effect of missense changes on protein structure and function (PolyPhen-2) suggests that this variant is likely to be disruptive. Algorithms developed to predict the effect of sequence changes on RNA splicing suggest that this variant may disrupt the consensus splice site. In summary, the available evidence is currently insufficient to determine the role of this variant in disease. Therefore, it has been classified as a Variant of Uncertain Significance.

Blueprint Genetics
Classification: Uncertain significance. Last evaluated: 2024-08-29. Review status: criteria provided, single submitter. Criteria: ACMG Guidelines, 2015. Collection method: clinical testing. Allele origin: germline.

Ambry Genetics
Classification: Uncertain significance for Inborn genetic diseases. Last evaluated: 2021-08-16. Review status: criteria provided, single submitter. Criteria: Ambry Variant Classification Scheme 2023. Collection method: clinical testing. Allele origin: germline.

NM_001079.4(ZAP70):c.1797C>G (p.Ser599Arg)

Gene: ZAP70 (zeta chain of T cell receptor associated protein kinase 70; plus strand). Cytogenetic location: 2q11.2.
Variant type: single nucleotide variant.
Coding change: c.1797C>G on transcript NM_001079.4 (MANE Select); coding-DNA position 1797, C replaced by G.
Protein change: p.Ser599Arg; replaces serine 599 with arginine.
Molecular consequence: missense variant.
Genome position (GRCh38, 1-based): chr2:97,739,435, C>G. VCF-style: chr2-97739435-C-G. GRCh37 (hg19) VCF-style: chr2-98355898-C-G.
Other names: c.1797C>G, p.Ser599Arg (NM_001378594.1); c.876C>G, p.Ser292Arg (NM_207519.2); short protein forms S599R, S292R.
Identifiers: ClinVar variation 935495 (VCV000935495.9), dbSNP rs148332283, ClinGen allele CA1790579.